The following is an entry in ClinVar:

NM_000169.3(GLA):c.835C>T (p.Gln279Ter)

Genes: GLA (galactosidase alpha; minus strand), RPL36A-HNRNPH2 (RPL36A-HNRNPH2 readthrough; plus strand). Cytogenetic location: Xq22.1.
Variant type: single nucleotide variant.
Coding change: c.835C>T on transcript NM_000169.3 (MANE Select); coding-DNA position 835, C replaced by T.
Protein change: p.Gln279Ter; replaces glutamine 279 with a stop codon.
Molecular consequence: nonsense. On other transcripts: non-coding transcript variant (3), intron variant (2).
Genome position (GRCh38, 1-based): chrX:101,398,534, G>A on the plus strand (C>T on the coding strand, the complement: GLA is on the minus strand). VCF-style: chrX-101398534-G-A. GRCh37 (hg19) VCF-style: chrX-100653522-G-A.
Other names: c.958C>T, p.Gln320Ter (NM_001406747.1); c.835C>T, p.Gln279Ter (NM_001406748.1); c.300+3077G>A (NM_001199973.2); c.177+6712G>A (NM_001199974.2); short protein forms Q279*, Q320*.
Identifiers: ClinVar variation 1064717 (VCV001064717.7), dbSNP rs28935485, ClinGen allele CA413923052.

ClinVar aggregate classification (germline): Pathogenic. Review status: criteria provided, multiple submitters, no conflicts (2 of 4 stars). 2 submissions from 2 submitters: Pathogenic (2). Last evaluated 2026-09-08.

Conditions:
Fabry disease. Also called: Fabry's disease; Angiokeratoma corporis diffusum; GLA DEFICIENCY; HEREDITARY DYSTOPIC LIPIDOSIS; ALPHA-GALACTOSIDASE A DEFICIENCY; ANDERSON-FABRY DISEASE. Identifiers: Orphanet 324, MedGen C0002986, MONDO:0010526, OMIM 301500, HP:0001071. Disease mechanism: loss of function, Fabry disease is due to inactivating mutations in the X-linked GLA gene resulting in deficiency of the enzyme Alpha Galactosidase-A..

Submissions (2):

Genomenon, Inc
Classification: Pathogenic for Fabry disease. Last evaluated: 2026-09-08. Review status: criteria provided, single submitter. Criteria: Genomenon Sequence Variant Interpretation Standards - Updated. Collection method: curation. Allele origin: germline. Affected: yes.
Comment: GLA p.Gln279Ter (c.835C>T) is a nonsense variant that introduces a premature stop codon at amino acid position 279 and is predicted to result in a truncated or absent protein product. This variant has been observed in at least one proband with clinical features consistent with Fabry disease (PMID:28988177). The variant was found to segregate with disease in at least one affected family (PMID:28988177). It is absent or not present at a significant frequency in gnomAD. In conclusion, we classify GLA p.Gln279Ter (c.835C>T) as a pathogenic variant.

CeMIA
Classification: Pathogenic for Fabry disease. Review status: criteria provided, single submitter. Criteria: ACMG Guidelines, 2015. Collection method: clinical testing. Allele origin: germline. Affected: yes. Observed: 4 variant alleles.
Comment: The c.835C>T (p.Gln279Ter) variant, located in exon 6 of the GLA gene, was identified in four members (1 hemizygous male, 3 heterozygous females) of a greek family affected with Fabry disease. It causes interruption of the reading frame by the formation of a termination codon which results in a truncated protein. The variant was not detected amongst the 31360 individuals of the Genome Aggregation Database (gnomAD), indicating that it is not a common variant. Taking all the above into account and according to ACMG Guidelines (Criteria: PVS1, PM2, PP1) the variant is considered pathogenic.

Literature cited by the submitters: PubMed 28988177 (cited by Genomenon, Inc and CeMIA).